The following is an entry in ClinVar:

NM_001374385.1(ATP8B1):c.2883T>C (p.Phe961=)

Genes: ATP8B1 (ATPase phospholipid transporting 8B1; minus strand), ATP8B1-AS1 (ATP8B1 antisense RNA 1; plus strand). Cytogenetic location: 18q21.31.
Variant type: single nucleotide variant.
Coding change: c.2883T>C on transcript NM_001374385.1 (MANE Select); coding-DNA position 2883, T replaced by C.
Protein change: p.Phe961=; no amino-acid change (phenylalanine 961 retained).
Molecular consequence: synonymous variant.
Genome position (GRCh38, 1-based): chr18:57,655,242, A>G on the plus strand (T>C on the coding strand, the complement: ATP8B1 is on the minus strand). VCF-style: chr18-57655242-A-G. GRCh37 (hg19) VCF-style: chr18-55322474-A-G.
Other names: c.2733T>C, p.Phe911= (NM_001374386.1); c.2883T>C, p.Phe961= (NM_005603.6).
Identifiers: ClinVar variation 4997624 (VCV004997624.1).

ClinVar aggregate classification (germline): Likely benign (1 of 4 stars; one submission).

Conditions:
ATP8B1-related disorder. Also called: ATP8B1-related disorders; ATP8B1-related condition.

Submission:

PreventionGenetics, part of Exact Sciences
Classification: Likely benign for ATP8B1-related condition. Last evaluated: 2024-11-02. Review status: criteria provided, single submitter. Criteria: ACMG Guidelines, 2015. Collection method: clinical testing. Allele origin: germline.
Comment: This variant is classified as likely benign based on ACMG/AMP sequence variant interpretation guidelines (Richards et al. 2015 PMID: 25741868, with internal and published modifications).